The following is an entry in ClinVar:

ClinVar aggregate classification (germline): Uncertain significance (1 of 4 stars; one submission).

gnomAD v4.1: 7 of 1,613,936 alleles (0.00043%); highest among the groups gnomAD compares: Non-Finnish European, 0.00059%; no homozygotes.

Submission:

GeneDx
Classification: Uncertain significance. Last evaluated: 2026-02-14. Review status: criteria provided, single submitter. Criteria: GeneDx Variant Classification Process June 2021. Collection method: clinical testing. Allele origin: germline.
Comment: Not observed at significant frequency in large population cohorts (gnomAD); In silico analysis supports that this missense variant has a deleterious effect on protein structure/function; Has not been previously published as pathogenic or benign to our knowledge

NM_000557.5(GDF5):c.1318C>G (p.His440Asp)

Genes: GDF5 (growth differentiation factor 5; minus strand), GDF5-AS1 (GDF5 antisense RNA 1; plus strand). Cytogenetic location: 20q11.22.
Variant type: single nucleotide variant.
Coding change: c.1318C>G on transcript NM_000557.5 (MANE Select); coding-DNA position 1318, C replaced by G.
Protein change: p.His440Asp; replaces histidine 440 with aspartic acid.
Molecular consequence: missense variant. On other transcripts: non-coding transcript variant (1).
Genome position (GRCh38, 1-based): chr20:35,434,097, G>C on the plus strand (C>G on the coding strand, the complement: GDF5 is on the minus strand). VCF-style: chr20-35434097-G-C. GRCh37 (hg19) VCF-style: chr20-34021895-G-C.
Other names: c.1318C>G, p.His440Asp (NM_001319138.2); short protein forms H440D.
Identifiers: ClinVar variation 4887862 (VCV004887862.1).